The following is an entry in ClinVar:

ClinVar aggregate classification (germline): Uncertain significance (1 of 4 stars; one submission).

Conditions:
Fanconi anemia complementation group J. Also called: BRIP1-Related Fanconi Anemia. Identifiers: Orphanet 84, MedGen C1836860, MONDO:0012187, OMIM 609054.
Familial cancer of breast. Also called: Hereditary breast cancer; hereditary breast carcinoma; BREAST CANCER, FAMILIAL. Identifiers: Orphanet 227535, MedGen C0346153, MONDO:0016419, OMIM 114480. Disease mechanism: loss of function.

Submission:

Labcorp Genetics (formerly Invitae), Labcorp
Classification: Uncertain significance for Familial cancer of breast; Fanconi anemia complementation group J. Last evaluated: 2025-06-09. Review status: criteria provided, single submitter. Criteria: Invitae Variant Classification Sherloc (09022015). Collection method: clinical testing. Allele origin: germline.
Comment: This sequence change replaces glutamic acid, which is acidic and polar, with aspartic acid, which is acidic and polar, at codon 450 of the BRIP1 protein (p.Glu450Asp). This variant is not present in population databases (gnomAD no frequency). This variant has not been reported in the literature in individuals affected with BRIP1-related conditions. Invitae Evidence Modeling of protein sequence and biophysical properties (such as structural, functional, and spatial information, amino acid conservation, physicochemical variation, residue mobility, and thermodynamic stability) indicates that this missense variant is not expected to disrupt BRIP1 protein function with a negative predictive value of 95%. In summary, the available evidence is currently insufficient to determine the role of this variant in disease. Therefore, it has been classified as a Variant of Uncertain Significance.

NM_032043.3(BRIP1):c.1350A>C (p.Glu450Asp)

Gene: BRIP1 (BRCA1 interacting DNA helicase 1; minus strand). Cytogenetic location: 17q23.2.
Variant type: single nucleotide variant.
Coding change: c.1350A>C on transcript NM_032043.3 (MANE Select); coding-DNA position 1350, A replaced by C.
Protein change: p.Glu450Asp; replaces glutamic acid 450 with aspartic acid.
Molecular consequence: missense variant.
Genome position (GRCh38, 1-based): chr17:61,793,720, T>G on the plus strand (A>C on the coding strand, the complement: BRIP1 is on the minus strand). VCF-style: chr17-61793720-T-G. GRCh37 (hg19) VCF-style: chr17-59871081-T-G.
Other names: short protein forms E450D.
Identifiers: ClinVar variation 4783551 (VCV004783551.1).